The following is an entry in ClinVar:

NM_000551.4(VHL):c.215C>T (p.Ser72Phe)

Gene: VHL (von Hippel-Lindau tumor suppressor; plus strand). Cytogenetic location: 3p25.3.
Variant type: single nucleotide variant.
Coding change: c.215C>T on transcript NM_000551.4 (MANE Select); coding-DNA position 215, C replaced by T.
Protein change: p.Ser72Phe; replaces serine 72 with phenylalanine.
Molecular consequence: missense variant.
Genome position (GRCh38, 1-based): chr3:10,142,062, C>T. VCF-style: chr3-10142062-C-T. GRCh37 (hg19) VCF-style: chr3-10183746-C-T.
Other names: c.215C>T, p.Ser72Phe (NM_001354723.2, NM_198156.3); short protein forms S72F.
Identifiers: ClinVar variation 864054 (VCV000864054.11), dbSNP rs962558566, ClinGen allele CA70042512.
Genomic context (GRCh38, chr3:10,142,062, plus strand): 5'-AGGAGATGGAGGCCGGGCGGCCGCGGCCCGTGCTGCGCTCGGTGAACTCGCGCGAGCCCT[C>T]CCAGGTCATCTTCTGCAATCGCAGTCCGCGCGTCGTGCTGCCCGTATGGCTCAACTTCGA-3'
Protein context (NP_000542.1, residues 62-82): VLRSVNSREP[Ser72Phe]QVIFCNRSPR

ClinVar aggregate classification (germline): Uncertain significance. Review status: criteria provided, multiple submitters, no conflicts (2 of 4 stars). 3 submissions from 3 submitters: Uncertain significance (3). Last evaluated 2025-05-07.

Conditions:
Chuvash polycythemia. Also called: POLYCYTHEMIA, VHL-DEPENDENT. Identifiers: Orphanet 238557, MedGen C1837915, MONDO:0009892, OMIM 263400.
Von Hippel-Lindau syndrome (VHLS). Also called: VHL syndrome; von Hippel–Lindau syndrome; Von Hippel-Lindau. Identifiers: Orphanet 892, MedGen C0019562, MONDO:0008667, OMIM 193300. Disease mechanism: loss of function.
Hereditary cancer-predisposing syndrome. Also called: Tumor predisposition; Hereditary Cancer Syndrome; Neoplastic Syndromes, Hereditary; Hereditary neoplastic syndrome. Identifiers: Orphanet 140162, MedGen C0027672, MeSH D009386, MONDO:0015356.

Allele frequency attached by ClinVar (database versions not stated): TOPMed below 0.00001.
gnomAD v4.1: 2 of 1,607,220 alleles (0.00012%); highest among the groups gnomAD compares: African/African-American, 0.0013%; no homozygotes.

Submissions (3):

Labcorp Genetics (formerly Invitae), Labcorp
Classification: Uncertain significance for Von Hippel-Lindau syndrome; Chuvash polycythemia. Last evaluated: 2025-05-07. Review status: criteria provided, single submitter. Criteria: Invitae Variant Classification Sherloc (09022015). Collection method: clinical testing. Allele origin: germline.
Comment: This sequence change replaces serine, which is neutral and polar, with phenylalanine, which is neutral and non-polar, at codon 72 of the VHL protein (p.Ser72Phe). This variant is not present in population databases (gnomAD no frequency). This variant has not been reported in the literature in individuals affected with VHL-related conditions. ClinVar contains an entry for this variant (Variation ID: 864054). Invitae Evidence Modeling of protein sequence and biophysical properties (such as structural, functional, and spatial information, amino acid conservation, physicochemical variation, residue mobility, and thermodynamic stability) indicates that this missense variant is expected to disrupt VHL protein function with a positive predictive value of 95%. In summary, the available evidence is currently insufficient to determine the role of this variant in disease. Therefore, it has been classified as a Variant of Uncertain Significance.

All of Us Research Program, National Institutes of Health
Classification: Uncertain significance for Von Hippel-Lindau syndrome. Last evaluated: 2023-03-04. Review status: criteria provided, single submitter. Criteria: ACMG Guidelines, 2015. Collection method: clinical testing. Allele origin: germline. Inheritance: Autosomal dominant inheritance. Observed: 1 variant allele, 1 heterozygote.
Comment: This study involves interpretation of variants in research participants for the purpose of population health screening. Participant phenotype was not available at the time of variant classification. Additional details can be found in publication PMID: 35346344, PMCID: PMC8962531

Ambry Genetics
Classification: Uncertain significance for Hereditary cancer-predisposing syndrome. Last evaluated: 2021-07-16. Review status: criteria provided, single submitter. Criteria: Ambry Variant Classification Scheme 2023. Collection method: clinical testing. Allele origin: germline.
Comment: The p.S72F variant (also known as c.215C>T), located in coding exon 1 of the VHL gene, results from a C to T substitution at nucleotide position 215. The serine at codon 72 is replaced by phenylalanine, an amino acid with highly dissimilar properties. This amino acid position is well conserved in available vertebrate species. In addition, the in silico prediction for this alteration is inconclusive. Since supporting evidence is limited at this time, the clinical significance of this alteration remains unclear.